The following is an entry in ClinVar:

ClinVar aggregate classification (germline): Likely pathogenic (1 of 4 stars; one submission).

Submission:

Labcorp Genetics (formerly Invitae), Labcorp
Classification: Likely pathogenic. Last evaluated: 2023-05-17. Review status: criteria provided, single submitter. Criteria: Invitae Variant Classification Sherloc (09022015). Collection method: clinical testing. Allele origin: germline.
Comment: In summary, the currently available evidence indicates that the variant is pathogenic, but additional data are needed to prove that conclusively. Therefore, this variant has been classified as Likely Pathogenic. Algorithms developed to predict the effect of sequence changes on RNA splicing suggest that this variant may disrupt the consensus splice site. ClinVar contains an entry for this variant (Variation ID: 1487272). This variant has not been reported in the literature in individuals affected with ABCC8-related conditions. This variant is not present in population databases (gnomAD no frequency). This sequence change affects a donor splice site in intron 4 of the ABCC8 gene. It is expected to disrupt RNA splicing. Variants that disrupt the donor or acceptor splice site typically lead to a loss of protein function (PMID: 16199547), and loss-of-function variants in ABCC8 are known to be pathogenic (PMID: 20685672, 23345197).

Literature cited by the submitters: PubMed 16199547; PubMed 20685672; PubMed 23345197.

NM_000352.6(ABCC8):c.579+2T>C

Gene: ABCC8 (ATP binding cassette subfamily C member 8; minus strand). Cytogenetic location: 11p15.1.
Variant type: single nucleotide variant.
Coding change: c.579+2T>C on transcript NM_000352.6 (MANE Select); the canonical splice donor site of the intron after coding-DNA position 579, T replaced by C.
Molecular consequence: splice donor variant.
Genome position (GRCh38, 1-based): chr11:17,463,436, A>G on the plus strand (T>C on the coding strand, the complement: ABCC8 is on the minus strand). VCF-style: chr11-17463436-A-G. GRCh37 (hg19) VCF-style: chr11-17484983-A-G.
Other names: c.579+2T>C (NM_001351297.2, NM_001351296.2, NM_001351295.2 and 1 more transcripts).
Identifiers: ClinVar variation 1487272 (VCV001487272.6), dbSNP rs1449198328, ClinGen allele CA379779846.
Genomic context (GRCh38, chr11:17,463,436, plus strand): 5'-GGGCAGGACAGAGGCCAGAGCCTCTGCTTCCCACCCCACCCTGGCCCAGGTGGCCTGCTT[A>G]CCCTCACCCTGATGACATTGACCTCCACGAGGAGCAGCATCCCATAGAGGATCACCAGCA-3'